The following is an entry in ClinVar:

NM_000384.3(APOB):c.5254G>A (p.Asp1752Asn)

Gene: APOB (apolipoprotein B; minus strand). Cytogenetic location: 2p24.1.
Variant type: single nucleotide variant.
Coding change: c.5254G>A on transcript NM_000384.3 (MANE Select); coding-DNA position 5254, G replaced by A.
Protein change: p.Asp1752Asn; replaces aspartic acid 1752 with asparagine.
Molecular consequence: missense variant.
Genome position (GRCh38, 1-based): chr2:21,011,614, C>T on the plus strand (G>A on the coding strand, the complement: APOB is on the minus strand). VCF-style: chr2-21011614-C-T. GRCh37 (hg19) VCF-style: chr2-21234486-C-T.
Other names: short protein forms D1752N.
Identifiers: ClinVar variation 2274248 (VCV002274248.4), dbSNP rs2465375588, ClinGen allele CA346005132.

ClinVar aggregate classification (germline): Uncertain significance. Review status: criteria provided, multiple submitters, no conflicts (2 of 4 stars). 2 submissions from 2 submitters: Uncertain significance (2). Last evaluated 2026-09-11.

Conditions:
Familial hypobetalipoproteinemia 1. Also called: APOB-Related Familial Hypobetalipoproteinemia; Hypobetalipoproteinemia, normotriglyceridemic; Acanthocytosis with hypobetalipoproteinemia. Identifiers: MedGen C4551990, MONDO:0014252, OMIM 615558.
Hypercholesterolemia, autosomal dominant, type B (FHCL2). Also called: Familial Hypercholesterolemia Type B; APOLIPOPROTEIN B-100, FAMILIAL DEFECTIVE; APOLIPOPROTEIN B-100, FAMILIAL LIGAND-DEFECTIVE; HYPERCHOLESTEROLEMIA, FAMILIAL, DUE TO LIGAND-DEFECTIVE APOLIPOPROTEIN B; Hyperlipoproteinemia Type IIb; Familial hypercholesterolemia 2. Identifiers: MedGen C1704417, MONDO:0007751, OMIM 144010.
Cardiovascular phenotype. Identifiers: MedGen CN230736.

Allele frequency attached by ClinVar (database versions not stated): gnomAD exomes below 0.00001.

Submissions (2):

Ambry Genetics
Classification: Uncertain significance for Cardiovascular phenotype. Last evaluated: 2026-09-11. Review status: criteria provided, single submitter. Criteria: Ambry Variant Classification Scheme 2023. Collection method: clinical testing. Allele origin: germline.
Comment: The p.D1752N variant (also known as c.5254G>A), located in coding exon 26 of the APOB gene, results from a G to A substitution at nucleotide position 5254. The aspartic acid at codon 1752 is replaced by asparagine, an amino acid with highly similar properties. This amino acid position is conserved. In addition, this alteration is predicted to be tolerated by in silico analysis. Based on the available evidence, the clinical significance of this variant remains unclear.

Labcorp Genetics (formerly Invitae), Labcorp
Classification: Uncertain significance for Familial hypobetalipoproteinemia 1; Hypercholesterolemia, autosomal dominant, type B. Last evaluated: 2026-01-05. Review status: criteria provided, single submitter. Criteria: Invitae Variant Classification Sherloc (09022015). Collection method: clinical testing. Allele origin: germline.
Comment: This sequence change replaces aspartic acid, which is acidic and polar, with asparagine, which is neutral and polar, at codon 1752 of the APOB protein (p.Asp1752Asn). This variant is not present in population databases (gnomAD no frequency). This variant has not been reported in the literature in individuals affected with APOB-related conditions. ClinVar contains an entry for this variant (Variation ID: 2274248). Invitae Evidence Modeling of protein sequence and biophysical properties (such as structural, functional, and spatial information, amino acid conservation, physicochemical variation, residue mobility, and thermodynamic stability) indicates that this missense variant is not expected to disrupt APOB protein function with a negative predictive value of 95%. In summary, the available evidence is currently insufficient to determine the role of this variant in disease. Therefore, it has been classified as a Variant of Uncertain Significance.